The following is an entry in ClinVar:

NM_000297.4(PKD2):c.2019+1G>A

Gene: PKD2 (polycystin 2, transient receptor potential cation channel; plus strand). Cytogenetic location: 4q22.1.
Variant type: single nucleotide variant.
Coding change: c.2019+1G>A on transcript NM_000297.4 (MANE Select); the canonical splice donor site of the intron after coding-DNA position 2019, G replaced by A.
Molecular consequence: splice donor variant.
Genome position (GRCh38, 1-based): chr4:88,058,104, G>A. VCF-style: chr4-88058104-G-A. GRCh37 (hg19) VCF-style: chr4-88979256-G-A.
Identifiers: ClinVar variation 477626 (VCV000477626.19), dbSNP rs1553927080, ClinGen allele CA357623301.
Genomic context (GRCh38, chr4:88,058,104, plus strand): 5'-CGAGTTTTGGGACCAATTTATTTCACTACATTTGTGTTCTTTATGTTCTTCATTCTTTTG[G>A]TATGTACATTTTTATTTATAGTGAGGTTCAATTTAAACTTCGTAAATCCTTGTCTTCTCT-3'

ClinVar aggregate classification (germline): Pathogenic. Review status: criteria provided, multiple submitters, no conflicts (2 of 4 stars). 8 submissions from 8 submitters: Pathogenic (7). 1 of the submissions does not count toward it. Last evaluated 2025-09-02.

Conditions:
PKD2-related disorder. Also called: PKD2-related condition.
Autosomal dominant polycystic kidney disease. Identifiers: Orphanet 730, MedGen C0085413, MONDO:0004691.
Polycystic kidney disease 2 (PKD2). Also called: Polycystic Kidney Disease 2, Autosomal Dominant; POLYCYSTIC KIDNEY DISEASE 2 WITH OR WITHOUT POLYCYSTIC LIVER DISEASE; POLYCYSTIC KIDNEY DISEASE, ADULT, TYPE II. Identifiers: MedGen C2751306, MONDO:0013131, OMIM 613095.

Submissions (8):

Labcorp Genetics (formerly Invitae), Labcorp
Classification: Pathogenic for Autosomal dominant polycystic kidney disease. Last evaluated: 2025-09-02. Review status: criteria provided, single submitter. Criteria: Invitae Variant Classification Sherloc (09022015). Collection method: clinical testing. Allele origin: germline.
Comment: This sequence change affects a donor splice site in intron 9 of the PKD2 gene. It is expected to disrupt RNA splicing. Variants that disrupt the donor or acceptor splice site typically lead to a loss of protein function (PMID: 16199547), and loss-of-function variants in PKD2 are known to be pathogenic (PMID: 17582161, 22863349). This variant is not present in population databases (gnomAD no frequency). Disruption of this splice site has been observed in individuals with autosomal dominant polycystic kidney disease (PMID: 30816285, 30989420, 33437033, 33639313). ClinVar contains an entry for this variant (Variation ID: 477626). Algorithms developed to predict the effect of sequence changes on RNA splicing suggest that this variant may disrupt the consensus splice site. For these reasons, this variant has been classified as Pathogenic.

PreventionGenetics, part of Exact Sciences
Classification: Pathogenic for PKD2-related condition. Last evaluated: 2025-05-10. Review status: criteria provided, single submitter. Criteria: ACMG Guidelines, 2015. Collection method: clinical testing. Allele origin: germline.
Comment: The PKD2 c.2019+1G>A variant is predicted to disrupt the GT donor site and interfere with normal splicing. This variant has been reported in individuals with autosomal dominant polycystic kidney disease (ADPKD) (Supplementary Table 2, Pandita et al. 2019. PubMed ID: 30816285; Table S3, Mallawaarachchi et al. 2021. PubMed ID: 33437033; Supplementary Data, Nielsen et al. 2021. PubMed ID: 33639313). This variant has not been reported in a large population database (gnomAD), indicating this variant is rare. Variants that disrupt the consensus splice donor site in PKD2 are expected to be pathogenic. This variant is interpreted as pathogenic.

Victorian Clinical Genetics Services, Murdoch Childrens Research Institute
Classification: Pathogenic for Polycystic kidney disease 2. Last evaluated: 2024-10-26. Review status: criteria provided, single submitter. Criteria: ACMG Guidelines, 2015. Collection method: clinical testing. Allele origin: germline. Affected: yes.
Comment: This variant is classified as Pathogenic. Evidence in support of pathogenic classification: Canonical splice site variant without proven consequence on splicing (no functional evidence available); Variant is absent from gnomAD (v2, v3 and v4); This variant has strong previous evidence of pathogenicity in unrelated individuals. This variant has been classified as likely pathogenic/pathogenic by clinical laboratories in ClinVar; Abnormal splicing is predicted by in silico tool and affected nucleotide is highly conserved. Additional information: This variant is heterozygous; This gene is associated with autosomal dominant disease; Loss of function is a known mechanism of disease in this gene and is associated with polycystic kidney disease 2 (MIM#613095); Inheritance information for this variant is not currently available in this individual.

Fulgent Genetics
Classification: Pathogenic for Polycystic kidney disease 2. Last evaluated: 2024-03-18. Review status: criteria provided, single submitter. Criteria: ACMG Guidelines, 2015. Collection method: clinical testing. Allele origin: germline.

GeneDx
Classification: Pathogenic. Last evaluated: 2022-11-09. Review status: criteria provided, single submitter. Criteria: GeneDx Variant Classification Process June 2021. Collection method: clinical testing. Allele origin: germline. Affected: yes.
Comment: Canonical splice site variant predicted to result in a null allele in a gene for which loss-of-function is a known mechanism of disease; Not observed in large population cohorts (gnomAD); This variant is associated with the following publications: (PMID: 33437033, 33639313, 30816285)

Athena Diagnostics
Classification: Pathogenic. Last evaluated: 2021-07-01. Review status: criteria provided, single submitter. Criteria: Athena Diagnostics Criteria. Collection method: clinical testing. Allele origin: unknown.
Comment: This variant is expected to severely impact normal RNA splicing, and consequently, protein structure and/or function. This variant has not been reported in large, multi-ethnic general populations.

Molecular Genetics of Inherited Kidney Disorders Laboratory, Garvan Institute of Medical Research
Classification: Pathogenic. Last evaluated: 2019-01-01. Review status: criteria provided, single submitter. Criteria: ACMG Guidelines, 2015. Collection method: clinical testing. Allele origin: germline. Affected: yes.

Bioscientia Institut fuer Medizinische Diagnostik GmbH, Sonic Healthcare
Classification: Pathogenic for Polycystic kidney disease 2. Last evaluated: 2020-02-27. Review status: no assertion criteria provided. Collection method: clinical testing. Allele origin: germline. Affected: yes. Not counted in ClinVar's aggregate classification.

Literature cited by the submitters: PubMed 16199547 (cited by Labcorp Genetics (formerly Invitae), Labcorp); PubMed 17582161 (cited by Labcorp Genetics (formerly Invitae), Labcorp); PubMed 22863349 (cited by Labcorp Genetics (formerly Invitae), Labcorp); PubMed 30816285 (cited by Labcorp Genetics (formerly Invitae), Labcorp and Athena Diagnostics); PubMed 30989420 (cited by Labcorp Genetics (formerly Invitae), Labcorp); PubMed 33437033 (cited by Labcorp Genetics (formerly Invitae), Labcorp); PubMed 33639313 (cited by Labcorp Genetics (formerly Invitae), Labcorp).